The following is an entry in ClinVar:

NM_000218.3(KCNQ1):c.557G>A (p.Gly186Asp)

Gene: KCNQ1 (potassium voltage-gated channel subfamily Q member 1; plus strand). Cytogenetic location: 11p15.5.
Variant type: single nucleotide variant.
Coding change: c.557G>A on transcript NM_000218.3 (MANE Select); coding-DNA position 557, G replaced by A.
Protein change: p.Gly186Asp; replaces glycine 186 with aspartic acid.
Molecular consequence: missense variant.
Genome position (GRCh38, 1-based): chr11:2,570,707, G>A. VCF-style: chr11-2570707-G-A. GRCh37 (hg19) VCF-style: chr11-2591937-G-A.
Other names: p.Gly186Asp; c.557G>A, p.Gly186Asp (NM_001406836.1); c.287G>A, p.Gly96Asp (NM_001406837.1); c.176G>A, p.Gly59Asp (NM_181798.2); short protein forms G186D, G59D, G96D.
Identifiers: ClinVar variation 207967 (VCV000207967.23), dbSNP rs794728568, ClinGen allele CA10575751.

ClinVar aggregate classification (germline): Pathogenic/Likely pathogenic. Review status: criteria provided, multiple submitters, no conflicts (2 of 4 stars). 5 submissions from 5 submitters: Pathogenic (1); Likely pathogenic (3). 1 of the submissions does not count toward it. Last evaluated 2024-08-05.

Conditions:
Cardiac arrhythmia. Also called: Arrhythmia; Cardiac rhythm disease. Identifiers: MedGen C0003811, MONDO:0007263, HP:0011675.
Familial long QT syndrome (RWS). Also called: VENTRICULAR FIBRILLATION WITH PROLONGED QT INTERVAL; Romano-Ward syndrome; Congenital long QT syndrome. Identifiers: Orphanet 768, MedGen C1141890, MONDO:0019171.
Long QT syndrome (LQTS). Identifiers: MedGen C0023976, MeSH D008133, MONDO:0002442. Disease mechanism: loss of function. Inheritance: Various modes of inheritance.
Long QT syndrome 1 (LQT1). Identifiers: Orphanet 101016, Orphanet 768, MedGen C4551647, MONDO:0100316, OMIM 192500, MONDO:0008646.

Submissions (5):

Labcorp Genetics (formerly Invitae), Labcorp
Classification: Pathogenic for Long QT syndrome. Last evaluated: 2024-08-05. Review status: criteria provided, single submitter. Criteria: Invitae Variant Classification Sherloc (09022015). Collection method: clinical testing. Allele origin: germline.
Comment: This sequence change replaces glycine, which is neutral and non-polar, with aspartic acid, which is acidic and polar, at codon 186 of the KCNQ1 protein (p.Gly186Asp). This variant is not present in population databases (gnomAD no frequency). This missense change has been observed in individuals with Jervell and Lange-Nielsen syndrome and long QT syndrome (PMID: 26669661, 27041150, 27485560, 34930020). It has also been observed to segregate with disease in related individuals. ClinVar contains an entry for this variant (Variation ID: 207967). Advanced modeling of protein sequence and biophysical properties (such as structural, functional, and spatial information, amino acid conservation, physicochemical variation, residue mobility, and thermodynamic stability) performed at Invitae indicates that this missense variant is expected to disrupt KCNQ1 protein function with a positive predictive value of 95%. This variant disrupts the p.Gly186 amino acid residue in KCNQ1. Other variant(s) that disrupt this residue have been observed in individuals with KCNQ1-related conditions (PMID: 22949429, 27041150, 27485560), which suggests that this may be a clinically significant amino acid residue. For these reasons, this variant has been classified as Pathogenic.

Revvity Omics, Revvity
Classification: Likely pathogenic. Last evaluated: 2020-09-10. Review status: criteria provided, single submitter. Criteria: ACMG Guidelines, 2015. Collection method: clinical testing. Allele origin: germline.

Color Diagnostics, LLC DBA Color Health
Classification: Likely pathogenic for Cardiac arrhythmia. Last evaluated: 2020-04-08. Review status: criteria provided, single submitter. Criteria: ACMG Guidelines, 2015. Collection method: clinical testing. Allele origin: germline.
Comment: This missense variant replaces glycine with aspartic acid at codon 186 of the KCNQ1 protein. Computational prediction suggests that this variant may have deleterious impact on protein structure and function (internally defined REVEL score threshold >= 0.7, PMID: 27666373). To our knowledge, functional studies have not been reported for this variant. This variant has been reported in individuals affected with long QT syndrome in the heterozygous state and in an individual with Jervell and Lange-Nielsen syndrome in the homozygous state (PMID: 26669661, 27041150). This variant has been shown to segregate with long QT syndrome in two families (PMID: 27041150, 27485560). This variant has not been identified in the general population by the Genome Aggregation Database (gnomAD). Based on the available evidence, this variant is classified as Likely Pathogenic.

Laboratory for Molecular Medicine, Mass General Brigham Personalized Medicine
Classification: Likely pathogenic for Familial long QT syndrome. Last evaluated: 2018-05-04. Review status: criteria provided, single submitter. Criteria: LMM Criteria. Collection method: clinical testing. Allele origin: germline. Inheritance: Autosomal dominant inheritance. Observed: 1 variant allele.
Comment: The p.Gly186Asp variant in KCNQ1 has been reported in the heterozygous state in 2 individuals with long QT syndrome (LQTS) and in the homozygous state in 1 indi vidual with Jervell and Lange-Nielsen syndrome (Vyas 2016a, Vyas 2016b, Itoh 201 6). Additionally, the variant segregated with prolonged QT interval in 5 individ uals from 2 families (Vyas 2016a, Vyas 2016b), and was absent from large populat ion studies. Computational prediction tools and conservation analysis suggest th at the variant may impact the protein, though this information is not predictive enough to determine pathogenicity. Finally, several variants at the same positi on have been reported in individuals with LQTS (ClinVar variation IDs: 432149, 2 00894, 53065, 67082); however, their clinical significance is unknown due to lim ited available data. In summary, although additional studies are required to ful ly establish its clinical significance, the p.Gly186Asp variant is likely pathog enic. ACMG/AMP Criteria applied: PM2, PP1_Moderate, PP3, PS4_Supporting.

Institute of Medical Genetics and Genomics, Sir Ganga Ram Hospital
Classification: Pathogenic for Long QT syndrome, LQT1 subtype. Last evaluated: 2013-01-01. Review status: no assertion criteria provided. Collection method: research. Allele origin: germline. Affected: yes. Observed: 1 variant allele. Study: Life Threatening Long QT Syndromes. Not counted in ClinVar's aggregate classification.

Literature cited by the submitters: PubMed 26669661 (cited by Labcorp Genetics (formerly Invitae), Labcorp and Laboratory for Molecular Medicine, Mass General Brigham Personalized Medicine); PubMed 27041150 (cited by 3 submitters); PubMed 27485560 (cited by 3 submitters); PubMed 34930020 (cited by Labcorp Genetics (formerly Invitae), Labcorp); PubMed 22949429 (cited by Labcorp Genetics (formerly Invitae), Labcorp).